The following is an entry in ClinVar:

NM_001735.3(C5):c.892C>G (p.Gln298Glu)

Gene: C5 (complement C5; minus strand). Cytogenetic location: 9q33.2.
Variant type: single nucleotide variant.
Coding change: c.892C>G on transcript NM_001735.3 (MANE Select); coding-DNA position 892, C replaced by G.
Protein change: p.Gln298Glu; replaces glutamine 298 with glutamic acid.
Molecular consequence: missense variant.
Genome position (GRCh38, 1-based): chr9:121,025,562, G>C on the plus strand (C>G on the coding strand, the complement: C5 is on the minus strand). VCF-style: chr9-121025562-G-C. GRCh37 (hg19) VCF-style: chr9-123787840-G-C.
Other names: c.910C>G, p.Gln304Glu (NM_001317163.2); c.892C>G, p.Gln298Glu (NM_001317164.2); c.892C>G (NM_001735.2); short protein forms Q304E, Q298E.
Identifiers: ClinVar variation 1521854 (VCV001521854.7), dbSNP rs149346283, ClinGen allele CA5218245.
Genomic context (GRCh38, chr9:121,025,562, plus strand): 5'-AATCTTCTAAACTGTAGTATGACAGTTCTTTGACTGCTGTTTCAGAATCAAATGTGACTT[G>C]AGCAATTCCATTTATCAACTTTTTAAAAGGAGAAAAAGGAGGAGTTATTTCGGAGAAGAA-3'
Protein context (NP_001726.2, residues 288-308): QNTMLINGIA[Gln298Glu]VTFDSETAVK

ClinVar aggregate classification (germline): Uncertain significance. Review status: criteria provided, multiple submitters, no conflicts (2 of 4 stars). 3 submissions from 3 submitters: Uncertain significance (3). Last evaluated 2025-08-28.

Conditions:
Complement component 5 deficiency. Also called: C5 DEFICIENCY. Identifiers: MedGen C0343047, MONDO:0012295, OMIM 609536.
Eculizumab, poor response to. Identifiers: MedGen C3810402, OMIM 615749.

gnomAD v4.1: 43 of 1,612,414 alleles (0.0027%); highest among the groups gnomAD compares: Admixed American, 0.053%; no homozygotes.

Submissions (3):

Ambry Genetics
Classification: Uncertain significance. Last evaluated: 2025-08-28. Review status: criteria provided, single submitter. Criteria: Ambry Variant Classification Scheme 2023. Collection method: clinical testing. Allele origin: germline.

Labcorp Genetics (formerly Invitae), Labcorp
Classification: Uncertain significance. Last evaluated: 2022-07-06. Review status: criteria provided, single submitter. Criteria: Invitae Variant Classification Sherloc (09022015). Collection method: clinical testing. Allele origin: germline.
Comment: This sequence change replaces glutamine, which is neutral and polar, with glutamic acid, which is acidic and polar, at codon 298 of the C5 protein (p.Gln298Glu). This variant is present in population databases (rs149346283, gnomAD 0.07%). This variant has not been reported in the literature in individuals affected with C5-related conditions. ClinVar contains an entry for this variant (Variation ID: 1521854). Algorithms developed to predict the effect of missense changes on protein structure and function output the following: SIFT: "Tolerated"; PolyPhen-2: "Benign"; Align-GVGD: "Class C0". The glutamic acid amino acid residue is found in multiple mammalian species, which suggests that this missense change does not adversely affect protein function. In summary, the available evidence is currently insufficient to determine the role of this variant in disease. Therefore, it has been classified as a Variant of Uncertain Significance.

Fulgent Genetics
Classification: Uncertain significance for Complement component 5 deficiency; Eculizumab, poor response to. Last evaluated: 2022-05-19. Review status: criteria provided, single submitter. Criteria: ACMG Guidelines, 2015. Collection method: clinical testing. Allele origin: unknown.